The following is an entry in ClinVar:

ClinVar aggregate classification (germline): Uncertain significance. Review status: criteria provided, multiple submitters, no conflicts (2 of 4 stars). 2 submissions from 2 submitters: Uncertain significance (2). Last evaluated 2026-07-07.

Conditions:
Arrhythmogenic right ventricular dysplasia 10. Also called: Arrhythmogenic Right Ventricular Dysplasia/Cardiomyopathy10; ARRHYTHMOGENIC RIGHT VENTRICULAR DYSPLASIA, FAMILIAL, 10; Arrhythmogenic right ventricular dysplasia/cardiomyopathy, type 10. Identifiers: MedGen C1857777, MONDO:0012434, OMIM 610193.
Cardiovascular phenotype. Identifiers: MedGen CN230736.

Submissions (2):

Ambry Genetics
Classification: Uncertain significance for Cardiovascular phenotype. Last evaluated: 2026-07-07. Review status: criteria provided, single submitter. Criteria: Ambry Variant Classification Scheme 2023. Collection method: clinical testing. Allele origin: germline.
Comment: The p.H1110P variant (also known as c.3329A>C), located in coding exon 15 of the DSG2 gene, results from an A to C substitution at nucleotide position 3329. The histidine at codon 1110 is replaced by proline, an amino acid with similar properties. This amino acid position is conserved. In addition, this alteration is predicted to be tolerated by in silico analysis. Based on the available evidence, the clinical significance of this variant remains unclear.

Labcorp Genetics (formerly Invitae), Labcorp
Classification: Uncertain significance for Arrhythmogenic right ventricular dysplasia 10. Last evaluated: 2022-08-03. Review status: criteria provided, single submitter. Criteria: Invitae Variant Classification Sherloc (09022015). Collection method: clinical testing. Allele origin: germline.
Comment: This sequence change replaces histidine, which is basic and polar, with proline, which is neutral and non-polar, at codon 1110 of the DSG2 protein (p.His1110Pro). This variant is not present in population databases (gnomAD no frequency). This variant has not been reported in the literature in individuals affected with DSG2-related conditions. Algorithms developed to predict the effect of missense changes on protein structure and function output the following: SIFT: "Tolerated"; PolyPhen-2: "Benign"; Align-GVGD: "Class C0". The proline amino acid residue is found in multiple mammalian species, which suggests that this missense change does not adversely affect protein function. In summary, the available evidence is currently insufficient to determine the role of this variant in disease. Therefore, it has been classified as a Variant of Uncertain Significance.

NM_001943.5(DSG2):c.3329A>C (p.His1110Pro)

Genes: DSG2 (desmoglein 2; plus strand), DSG2-AS1 (DSG2 antisense RNA 1; minus strand). Cytogenetic location: 18q12.1.
Variant type: single nucleotide variant.
Coding change: c.3329A>C on transcript NM_001943.5 (MANE Select); coding-DNA position 3329, A replaced by C.
Protein change: p.His1110Pro; replaces histidine 1110 with proline.
Molecular consequence: missense variant.
Genome position (GRCh38, 1-based): chr18:31,546,715, A>C. VCF-style: chr18-31546715-A-C. GRCh37 (hg19) VCF-style: chr18-29126678-A-C.
Other names: short protein forms H1110P.
Identifiers: ClinVar variation 1982393 (VCV001982393.5), dbSNP rs1167325516, ClinGen allele CA402149456.